The following is an entry in ClinVar:

ClinVar aggregate classification (germline): Uncertain significance. Review status: criteria provided, multiple submitters, no conflicts (2 of 4 stars). 4 submissions from 4 submitters: Uncertain significance (3). 1 of the submissions does not count toward it. Last evaluated 2025-12-08.

Conditions:
Dilated cardiomyopathy 1AA (CMD1AA). Also called: Cardiomyopathy, dilated, 1AA, with or without LVNC; CARDIOMYOPATHY, DILATED, 1AA, WITH OR WITHOUT LEFT VENTRICULAR NONCOMPACTION; CARDIOMYOPATHY, FAMILIAL HYPERTROPHIC, 23, WITH OR WITHOUT LEFT VENTRICULAR NONCOMPACTION. Identifiers: Orphanet 154, MedGen C2677338, MONDO:0012808, OMIM 612158.
Primary familial hypertrophic cardiomyopathy (HCM). Identifiers: Orphanet 99739, MedGen C0949658, MeSH D024741, MONDO:0024573. Inheritance: Various modes of inheritance.
Hypertrophic cardiomyopathy. Also called: HYPERTROPHIC MYOCARDIOPATHY. Identifiers: Orphanet 217569, MedGen C0007194, MeSH D002312, MONDO:0005045, HP:0001639.
Cardiovascular phenotype. Identifiers: MedGen CN230736.

Allele frequency attached by ClinVar (database versions not stated): gnomAD 0.00001; TOPMed 0.00001.
gnomAD v4.1: 16 of 1,614,074 alleles (0.00099%); highest among the groups gnomAD compares: Admixed American, 0.0017%; no homozygotes.

Submissions (4):

Women's Health and Genetics/Laboratory Corporation of America, LabCorp
Classification: Uncertain significance. Last evaluated: 2025-12-08. Review status: criteria provided, single submitter. Criteria: LabCorp Variant Classification Summary - May 2015. Collection method: clinical testing. Allele origin: germline.
Comment: Variant summary: ACTN2 c.1342G>A (p.Glu448Lys) results in a conservative amino acid change in the encoded protein sequence. Algorithms developed to predict the effect of missense changes on protein structure and function are either unavailable or do not agree on the potential impact of this missense change. The variant allele was found at a frequency of 4e-06 in 251182 control chromosomes (gnomAD). The available data on variant occurrences in the general population are insufficient to allow any conclusion about variant significance. c.1342G>A has been observed in one individual affected with Hypertrophic Cardiomyopathy (Lu_2018). The report does not provide unequivocal conclusions about association of the variant with Cardiomyopathy. To our knowledge, no experimental evidence demonstrating an impact on protein function has been reported. The following publication have been ascertained in the context of this evaluation (PMID: 30165862). ClinVar contains an entry for this variant (Variation ID: 463193). Based on the evidence outlined above, the variant was classified as uncertain significance.

Labcorp Genetics (formerly Invitae), Labcorp
Classification: Uncertain significance for Primary familial hypertrophic cardiomyopathy; Dilated cardiomyopathy 1AA. Last evaluated: 2025-08-25. Review status: criteria provided, single submitter. Criteria: Invitae Variant Classification Sherloc (09022015). Collection method: clinical testing. Allele origin: germline.
Comment: This sequence change replaces glutamic acid, which is acidic and polar, with lysine, which is basic and polar, at codon 448 of the ACTN2 protein (p.Glu448Lys). The frequency data for this variant in the population databases is considered unreliable, as metrics indicate poor data quality at this position in the gnomAD database. This missense change has been observed in individual(s) with clinical features of ACTN2-related conditions (PMID: 30165862). ClinVar contains an entry for this variant (Variation ID: 463193). Invitae Evidence Modeling of protein sequence and biophysical properties (such as structural, functional, and spatial information, amino acid conservation, physicochemical variation, residue mobility, and thermodynamic stability) indicates that this missense variant is expected to disrupt ACTN2 protein function with a positive predictive value of 80%. In summary, the available evidence is currently insufficient to determine the role of this variant in disease. Therefore, it has been classified as a Variant of Uncertain Significance.

Ambry Genetics
Classification: Uncertain significance for Cardiovascular phenotype. Last evaluated: 2025-01-03. Review status: criteria provided, single submitter. Criteria: Ambry Variant Classification Scheme 2023. Collection method: clinical testing. Allele origin: germline.
Comment: The p.E448K variant (also known as c.1342G>A), located in coding exon 12 of the ACTN2 gene, results from a G to A substitution at nucleotide position 1342. The glutamic acid at codon 448 is replaced by lysine, an amino acid with similar properties. This variant has been reported in a cardiomyopathy cohort (Lu C et al. J Transl Med, 2018 Aug;16:241). This amino acid position is highly conserved in available vertebrate species. In addition, this alteration is predicted to be deleterious by in silico analysis. Based on the available evidence, the clinical significance of this variant remains unclear.

Agnes Ginges Centre for Molecular Cardiology, Centenary Institute
Classification: Uncertain significance for Hypertrophic cardiomyopathy. Last evaluated: 2020-03-31. Review status: no assertion criteria provided. Collection method: research. Allele origin: germline. Inheritance: Autosomal dominant inheritance. Affected: yes. Not counted in ClinVar's aggregate classification.
Comment: This variant has been identified as part of our research program. For further information please feel free to contact us.

Literature cited by the submitters: PubMed 30165862 (cited by 3 submitters).

NM_001103.4(ACTN2):c.1342G>A (p.Glu448Lys)

Gene: ACTN2 (actinin alpha 2; plus strand). Cytogenetic location: 1q43.
Variant type: single nucleotide variant.
Coding change: c.1342G>A on transcript NM_001103.4 (MANE Select); coding-DNA position 1342, G replaced by A.
Protein change: p.Glu448Lys; replaces glutamic acid 448 with lysine.
Molecular consequence: missense variant.
Genome position (GRCh38, 1-based): chr1:236,744,712, G>A. VCF-style: chr1-236744712-G-A. GRCh37 (hg19) VCF-style: chr1-236908012-G-A.
Other names: c.1342G>A, p.Glu448Lys (NM_001278343.2); c.718G>A, p.Glu240Lys (NM_001278344.2); c.1342G>A (NM_001103.2); short protein forms E448K, E240K.
Identifiers: ClinVar variation 463193 (VCV000463193.10), dbSNP rs764031568, ClinGen allele CA1473126.